The following is an entry in ClinVar:

NM_001395002.1(MAP4K4):c.4055G>A (p.Cys1352Tyr)

Gene: MAP4K4 (mitogen-activated protein kinase kinase kinase kinase 4; plus strand). Cytogenetic location: 2q11.2.
Variant type: single nucleotide variant.
Coding change: c.4055G>A on transcript NM_001395002.1 (MANE Select); coding-DNA position 4055, G replaced by A.
Protein change: p.Cys1352Tyr; replaces cysteine 1352 with tyrosine.
Molecular consequence: missense variant. On other transcripts: non-coding transcript variant (4).
Genome position (GRCh38, 1-based): chr2:101,888,919, G>A. VCF-style: chr2-101888919-G-A. GRCh37 (hg19) VCF-style: chr2-102505381-G-A.
Other names: c.3620G>A, p.Cys1207Tyr (NM_001242559.2); c.3608G>A, p.Cys1203Tyr (NM_001242560.2); c.3698G>A, p.Cys1233Tyr (NM_001384476.1); c.3887G>A, p.Cys1296Tyr (NM_001384477.1); c.3377G>A, p.Cys1126Tyr (NM_001384478.1); c.3839G>A, p.Cys1280Tyr (NM_001384481.1); c.3368G>A, p.Cys1123Tyr (NM_001384482.1); c.3650G>A, p.Cys1217Tyr (NM_001384483.1); and 40 more; short protein forms C1117Y, C1123Y, C1126Y, C1133Y, C1145Y, C1156Y, C1157Y, C1168Y.
Identifiers: ClinVar variation 3343362 (VCV003343362.1).

ClinVar aggregate classification (germline): Uncertain significance (1 of 4 stars; one submission).

Submission:

GeneDx
Classification: Uncertain significance. Last evaluated: 2023-05-11. Review status: criteria provided, single submitter. Criteria: GeneDx Variant Classification Process June 2021. Collection method: clinical testing. Allele origin: germline. Affected: yes.
Comment: Not observed at significant frequency in large population cohorts (gnomAD); In silico analysis supports that this missense variant has a deleterious effect on protein structure/function; Has not been previously published as pathogenic or benign to our knowledge; Variants in candidate genes are classified as variants of uncertain significance in accordance with ACMG guidelines (Richards et al., 2015)